The following is an entry in ClinVar:

ClinVar aggregate classification (germline): Uncertain significance. Review status: criteria provided, multiple submitters, no conflicts (2 of 4 stars). 2 submissions from 2 submitters: Uncertain significance (2). Last evaluated 2024-10-09.

Conditions:
Primary ciliary dyskinesia. Also called: Ciliary dyskinesia. Identifiers: Orphanet 244, MedGen C0008780, MONDO:0016575, HP:0012265.

Allele frequency attached by ClinVar (database versions not stated): ExAC 0.00005; gnomAD exomes 0.00005 and 0.00009; TOPMed 0.00013; gnomAD 0.00015.
gnomAD v4.1: 53 of 1,612,902 alleles (0.0033%); highest among the groups gnomAD compares: Admixed American, 0.083%; no homozygotes.

Submissions (2):

Ambry Genetics
Classification: Uncertain significance for Primary ciliary dyskinesia. Last evaluated: 2024-10-09. Review status: criteria provided, single submitter. Criteria: Ambry Variant Classification Scheme 2023. Collection method: clinical testing. Allele origin: germline.

Labcorp Genetics (formerly Invitae), Labcorp
Classification: Uncertain significance for Primary ciliary dyskinesia. Last evaluated: 2024-01-31. Review status: criteria provided, single submitter. Criteria: Invitae Variant Classification Sherloc (09022015). Collection method: clinical testing. Allele origin: germline.
Comment: This sequence change replaces asparagine, which is neutral and polar, with serine, which is neutral and polar, at codon 251 of the DNAAF1 protein (p.Asn251Ser). This variant is present in population databases (rs760764943, gnomAD 0.06%). This variant has not been reported in the literature in individuals affected with DNAAF1-related conditions. ClinVar contains an entry for this variant (Variation ID: 657403). An algorithm developed to predict the effect of missense changes on protein structure and function (PolyPhen-2) suggests that this variant¬†is likely to be tolerated. In summary, the available evidence is currently insufficient to determine the role of this variant in disease. Therefore, it has been classified as a Variant of Uncertain Significance.

NM_178452.6(DNAAF1):c.752A>G (p.Asn251Ser)

Gene: DNAAF1 (dynein axonemal assembly factor 1; plus strand). Cytogenetic location: 16q24.1.
Variant type: single nucleotide variant.
Coding change: c.752A>G on transcript NM_178452.6 (MANE Select); coding-DNA position 752, A replaced by G.
Protein change: p.Asn251Ser; replaces asparagine 251 with serine.
Molecular consequence: missense variant. On other transcripts: 5 prime UTR variant (1).
Genome position (GRCh38, 1-based): chr16:84,159,685, A>G. VCF-style: chr16-84159685-A-G. GRCh37 (hg19) VCF-style: chr16-84193290-A-G.
Other names: c.-5A>G (NM_001318756.1); short protein forms N251S.
Identifiers: ClinVar variation 657403 (VCV000657403.9), dbSNP rs760764943, ClinGen allele CA8202619.